The following is an entry in ClinVar:

NM_004183.4(BEST1):c.1002G>A (p.Pro334=)

Gene: BEST1 (bestrophin 1; plus strand). Cytogenetic location: 11q12.3.
Variant type: single nucleotide variant.
Coding change: c.1002G>A on transcript NM_004183.4 (MANE Select); coding-DNA position 1002, G replaced by A.
Protein change: p.Pro334=; no amino-acid change (proline 334 retained).
Molecular consequence: synonymous variant. On other transcripts: missense variant (1), non-coding transcript variant (1).
Genome position (GRCh38, 1-based): chr11:61,959,945, G>A. VCF-style: chr11-61959945-G-A. GRCh37 (hg19) VCF-style: chr11-61727417-G-A.
Other names: c.822G>A, p.Pro274= (NM_001139443.3, NM_001300787.2); c.741G>A, p.Pro247= (NM_001300786.2); c.684G>A, p.Pro228= (NM_001363591.3); c.1205G>A, p.Arg402Gln (NM_001363592.2); c.30G>A, p.Pro10= (NM_001363593.3); short protein forms R402Q.
Identifiers: ClinVar variation 1597815 (VCV001597815.10), dbSNP rs372081341, ClinGen allele CA6040965.

ClinVar aggregate classification (germline): Likely benign. Review status: criteria provided, multiple submitters, no conflicts (2 of 4 stars). 3 submissions from 3 submitters: Likely benign (3). Last evaluated 2025-12-01.

Conditions:
BEST1-related disorder. Also called: BEST1-related disorders; BEST1-related condition. Identifiers: MedGen CN239200.

Allele frequency attached by ClinVar (database versions not stated): ExAC 0.00009; 1000 Genomes Project 0.00020; 1000 Genomes Project 30x 0.00031; TOPMed 0.00037; ESP Exome Variant Server 0.00008.
gnomAD v4.1: 124 of 1,613,010 alleles (0.0077%); highest among the groups gnomAD compares: African/African-American, 0.13%; no homozygotes.

Submissions (3):

Labcorp Genetics (formerly Invitae), Labcorp
Classification: Likely benign. Last evaluated: 2025-12-01. Review status: criteria provided, single submitter. Criteria: Invitae Variant Classification Sherloc (09022015). Collection method: clinical testing. Allele origin: germline.

PreventionGenetics, part of Exact Sciences
Classification: Likely benign for BEST1-related condition. Last evaluated: 2025-08-19. Review status: criteria provided, single submitter. Criteria: ACMG Guidelines, 2015. Collection method: clinical testing. Allele origin: germline.
Comment: This variant is classified as likely benign based on ACMG/AMP sequence variant interpretation guidelines (Richards et al. 2015 PMID: 25741868, with internal and published modifications).

Blueprint Genetics
Classification: Likely benign. Last evaluated: 2023-04-13. Review status: criteria provided, single submitter. Criteria: ACMG Guidelines, 2015. Collection method: clinical testing. Allele origin: germline.